The following is an entry in ClinVar:

ClinVar aggregate classification (germline): Uncertain significance (1 of 4 stars; one submission).

Conditions:
Rubinstein-Taybi syndrome (RSTS). Identifiers: Orphanet 783, MedGen C0035934, MONDO:0019188.

gnomAD v4.1: 1 of 1,614,130 alleles (0.000062%); highest among the groups gnomAD compares: African/African-American, 0.0013%; no homozygotes.

Submission:

Labcorp Genetics (formerly Invitae), Labcorp
Classification: Uncertain significance for Rubinstein-Taybi syndrome. Last evaluated: 2025-02-11. Review status: criteria provided, single submitter. Criteria: Invitae Variant Classification Sherloc (09022015). Collection method: clinical testing. Allele origin: germline.
Comment: This sequence change replaces serine, which is neutral and polar, with glycine, which is neutral and non-polar, at codon 109 of the CREBBP protein (p.Ser109Gly). This variant is not present in population databases (gnomAD no frequency). This variant has not been reported in the literature in individuals affected with CREBBP-related conditions. Invitae Evidence Modeling of protein sequence and biophysical properties (such as structural, functional, and spatial information, amino acid conservation, physicochemical variation, residue mobility, and thermodynamic stability) indicates that this missense variant is not expected to disrupt CREBBP protein function with a negative predictive value of 95%. In summary, the available evidence is currently insufficient to determine the role of this variant in disease. Therefore, it has been classified as a Variant of Uncertain Significance.

NM_004380.3(CREBBP):c.325A>G (p.Ser109Gly)

Gene: CREBBP (CREB binding lysine acetyltransferase; minus strand). Cytogenetic location: 16p13.3.
Variant type: single nucleotide variant.
Coding change: c.325A>G on transcript NM_004380.3 (MANE Select); coding-DNA position 325, A replaced by G.
Protein change: p.Ser109Gly; replaces serine 109 with glycine.
Molecular consequence: missense variant.
Genome position (GRCh38, 1-based): chr16:3,850,770, T>C on the plus strand (A>G on the coding strand, the complement: CREBBP is on the minus strand). VCF-style: chr16-3850770-T-C. GRCh37 (hg19) VCF-style: chr16-3900771-T-C.
Other names: c.325A>G, p.Ser109Gly (NM_001079846.1); short protein forms S109G.
Identifiers: ClinVar variation 4802901 (VCV004802901.1).
Genomic context (GRCh38, chr16:3,850,770, plus strand): 5'-AAGAATCTCCCTGGCTCAGAGGGCTCTTGCCCATGGCACTGAGGCTGGCCATGTTAGCAC[T>C]GTTCGGCTGCCCTTGAGCCTGGCCACCCAGGCCCTGCTGCACGGGGCTGCTGGCGCTCAC-3'
Protein context (NP_004371.2, residues 99-119): LGGQAQGQPN[Ser109Gly]ANMASLSAMG